The following is an entry in ClinVar:

NM_002547.3(OPHN1):c.448C>A (p.His150Asn)

Gene: OPHN1 (oligophrenin 1; minus strand). Cytogenetic location: Xq12.
Variant type: single nucleotide variant.
Coding change: c.448C>A on transcript NM_002547.3 (MANE Select); coding-DNA position 448, C replaced by A.
Protein change: p.His150Asn; replaces histidine 150 with asparagine.
Molecular consequence: missense variant.
Genome position (GRCh38, 1-based): chrX:68,234,525, G>T on the plus strand (C>A on the coding strand, the complement: OPHN1 is on the minus strand). VCF-style: chrX-68234525-G-T. GRCh37 (hg19) VCF-style: chrX-67454367-G-T.
Other names: short protein forms H150N.
Identifiers: ClinVar variation 2302105 (VCV002302105.3), dbSNP rs2519838180, ClinGen allele CA413432245.

ClinVar aggregate classification (germline): Uncertain significance. Review status: criteria provided, multiple submitters, no conflicts (2 of 4 stars). 2 submissions from 2 submitters: Uncertain significance (2). Last evaluated 2025-06-02.

Conditions:
Inborn genetic diseases. Identifiers: MedGen C0950123, MeSH D030342.

Allele frequency attached by ClinVar (database versions not stated): gnomAD exomes below 0.00001.
gnomAD v4.1: 1 of 1,210,159 alleles (0.000083%); highest among the groups gnomAD compares: East Asian, 0.003%; no homozygotes.

Submissions (2):

GeneDx
Classification: Uncertain significance. Last evaluated: 2025-06-02. Review status: criteria provided, single submitter. Criteria: GeneDx Variant Classification Process June 2021. Collection method: clinical testing. Allele origin: germline. Affected: yes.
Comment: Not observed at significant frequency in large population cohorts (gnomAD); In silico analysis suggests that this missense variant does not alter protein structure/function; Has not been previously published as pathogenic or benign to our knowledge

Ambry Genetics
Classification: Uncertain significance for Inborn genetic diseases. Last evaluated: 2022-08-23. Review status: criteria provided, single submitter. Criteria: Ambry Variant Classification Scheme 2023. Collection method: clinical testing. Allele origin: germline.
Comment: The c.448C>A (p.H150N) alteration is located in exon 6 (coding exon 5) of the OPHN1 gene. This alteration results from a C to A substitution at nucleotide position 448, causing the histidine (H) at amino acid position 150 to be replaced by an asparagine (N). This variant was not reported in population-based cohorts in the Genome Aggregation Database (gnomAD). This amino acid position is not well conserved in available vertebrate species. This alteration is predicted to be tolerated by in silico analysis. Based on insufficient or conflicting evidence, the clinical significance of this alteration remains unclear.